The following is an entry in ClinVar:

ClinVar aggregate classification (germline): Likely benign. Review status: criteria provided, multiple submitters, no conflicts (2 of 4 stars). 2 submissions from 2 submitters: Likely benign (2). Last evaluated 2025-06-17.

Allele frequency attached by ClinVar (database versions not stated): gnomAD 0.00003; TOPMed 0.00003; gnomAD exomes 0.00004 and 0.00006; ExAC 0.00005; ESP Exome Variant Server 0.00015.
gnomAD v4.1: 58 of 1,603,332 alleles (0.0036%); highest among the groups gnomAD compares: Non-Finnish European, 0.00059%; no homozygotes.

Submissions (2):

Mayo Clinic Laboratories, Mayo Clinic
Classification: Likely benign. Last evaluated: 2025-06-17. Review status: criteria provided, single submitter. Criteria: ACMG Guidelines, 2015. Collection method: clinical testing. Allele origin: germline. Observed: 1 variant allele.
Comment: BP4, BP7, PM2_supporting

Labcorp Genetics (formerly Invitae), Labcorp
Classification: Likely benign. Last evaluated: 2024-02-24. Review status: criteria provided, single submitter. Criteria: Invitae Variant Classification Sherloc (09022015). Collection method: clinical testing. Allele origin: germline.

NM_001498.4(GCLC):c.42A>G (p.Glu14=)

Gene: GCLC (glutamate-cysteine ligase catalytic subunit; minus strand). Cytogenetic location: 6p12.1.
Variant type: single nucleotide variant.
Coding change: c.42A>G on transcript NM_001498.4 (MANE Select); coding-DNA position 42, A replaced by G.
Protein change: p.Glu14=; no amino-acid change (glutamic acid 14 retained).
Molecular consequence: synonymous variant.
Genome position (GRCh38, 1-based): chr6:53,544,604, T>C on the plus strand (A>G on the coding strand, the complement: GCLC is on the minus strand). VCF-style: chr6-53544604-T-C. GRCh37 (hg19) VCF-style: chr6-53409402-T-C.
Other names: p.Glu14=; c.42A>G, p.Glu14= (NM_001197115.2).
Identifiers: ClinVar variation 1656453 (VCV001656453.9), dbSNP rs150351755, ClinGen allele CA3860458.